The following is an entry in ClinVar:

ClinVar aggregate classification (germline): Uncertain significance (1 of 4 stars; one submission).

Conditions:
Hereditary cancer-predisposing syndrome. Also called: Neoplastic Syndromes, Hereditary; Tumor predisposition; Hereditary Cancer Syndrome; Hereditary neoplastic syndrome. Identifiers: Orphanet 140162, MedGen C0027672, MeSH D009386, MONDO:0015356.

Submission:

Ambry Genetics
Classification: Uncertain significance for Hereditary cancer-predisposing syndrome. Last evaluated: 2026-09-02. Review status: criteria provided, single submitter. Criteria: Ambry Variant Classification Scheme 2023. Collection method: clinical testing. Allele origin: germline.
Comment: The p.L130V variant (also known as c.388C>G), located in coding exon 2 of the CDKN2A gene, results from a C to G substitution at nucleotide position 388. The leucine at codon 130 is replaced by valine, an amino acid with highly similar properties. Of note, this alteration falls in the 3'UTR of the p14(ARF) isoform (c.*32C>G ). This variant has been reported in at least one individual with multiple primary melanomas and one sporadic melanoma case (Helsing P et al. Genes Chromosomes Cancer, 2008 Feb;47:175-84; Miller PJ et al. Hum Mutat, 2011 Aug;32:900-11). The missense impact of this variant was shown to be neutral in a large-scale protein functional assay (Kimura H et al. Elife, 2025 Apr;13:). This nucleotide position is well conserved in available vertebrate species. This amino acid position is highly conserved in available vertebrate species. In silico splice site analysis predicts that this alteration will result in the creation or strengthening of a novel splice donor site. RNA studies have demonstrated that this variant results in a splice defect; the clinical impact of this abnormal splicing is unknown at this time (Ambry internal data). In addition, as a missense, the in silico prediction for this alteration is inconclusive. Based on the available evidence, the clinical significance of this variant remains unclear.

Literature cited by the submitters: PubMed 18023021; PubMed 21462282; PubMed 40238651.

NM_000077.5(CDKN2A):c.388C>G (p.Leu130Val)

Gene: CDKN2A (cyclin dependent kinase inhibitor 2A; minus strand). Cytogenetic location: 9p21.3.
Variant type: single nucleotide variant.
Coding change: c.388C>G on transcript NM_000077.5; coding-DNA position 388, C replaced by G.
Protein change: p.Leu130Val; replaces leucine 130 with valine.
Molecular consequence: missense variant (on NM_000077.6). On other transcripts: 3 prime UTR variant (2).
Genome position (GRCh38, 1-based): chr9:21,970,971, G>C on the plus strand (C>G on the coding strand, the complement: CDKN2A is on the minus strand). VCF-style: chr9-21970971-G-C. GRCh37 (hg19) VCF-style: chr9-21970970-G-C.
Other names: c.388C>G, p.Leu130Val (NM_000077.6, NM_001195132.2); c.235C>G, p.Leu79Val (NM_001363763.2); c.*32C>G (NM_058195.4); c.*311C>G (NM_058197.5); short protein forms L79V, L130V.
Identifiers: ClinVar variation 4224772 (VCV004224772.2).